The following is an entry in ClinVar:

ClinVar aggregate classification (germline): Pathogenic (1 of 4 stars; one submission).

Conditions:
Inborn genetic diseases. Identifiers: MedGen C0950123, MeSH D030342.

Submission:

Ambry Genetics
Classification: Pathogenic for Inborn genetic diseases. Last evaluated: 2017-07-12. Review status: criteria provided, single submitter. Criteria: Ambry Variant Classification Scheme 2023. Collection method: clinical testing. Allele origin: germline.
Comment: The c.2221delG pathogenic mutation, located in coding exon 17 of the CHD2 gene, results from a deletion of one nucleotide at nucleotide position 2221, causing a translational frameshift with a predicted alternate stop codon (p.A741Pfs*15). This alteration is expected to result in loss of function by premature protein truncation or nonsense-mediated mRNA decay. As such, this alteration is interpreted as a disease-causing mutation.

NM_001271.4(CHD2):c.2221del (p.Ala741fs)

Gene: CHD2 (chromodomain helicase DNA binding protein 2; plus strand). Cytogenetic location: 15q26.1.
Variant type: Deletion.
Coding change: c.2221del on transcript NM_001271.4 (MANE Select); coding-DNA position 2221, one base deleted (G; older notation c.2221delG).
Protein change: p.Ala741fs; shifts the reading frame from alanine 741.
Molecular consequence: frameshift variant.
Genome position (GRCh38, 1-based): chr15:92,971,796, G deleted. VCF-style (leftmost placement, unchanged base first): chr15-92971795-TG-T. GRCh37 (hg19) VCF-style: chr15-93515025-TG-T.
Other names: short protein forms A741fs.
Identifiers: ClinVar variation 1787936 (VCV001787936.2), dbSNP rs2505526462, ClinGen allele CA2580090349.